The following is an entry in ClinVar:

NM_017654.4(SAMD9):c.3341C>G (p.Pro1114Arg)

Gene: SAMD9 (sterile alpha motif domain containing 9; minus strand). Cytogenetic location: 7q21.2.
Variant type: single nucleotide variant.
Coding change: c.3341C>G on transcript NM_017654.4 (MANE Select); coding-DNA position 3341, C replaced by G.
Protein change: p.Pro1114Arg; replaces proline 1114 with arginine.
Molecular consequence: missense variant.
Genome position (GRCh38, 1-based): chr7:93,102,757, G>C on the plus strand (C>G on the coding strand, the complement: SAMD9 is on the minus strand). VCF-style: chr7-93102757-G-C. GRCh37 (hg19) VCF-style: chr7-92732070-G-C.
Other names: c.3341C>G, p.Pro1114Arg (NM_001193307.2); short protein forms P1114R.
Identifiers: ClinVar variation 3791904 (VCV003791904.4).

ClinVar aggregate classification (germline): Uncertain significance. Review status: criteria provided, multiple submitters, no conflicts (2 of 4 stars). 3 submissions from 3 submitters: Uncertain significance (3). Last evaluated 2025-08-26.

Conditions:
Inborn genetic diseases. Identifiers: MedGen C0950123, MeSH D030342.

Submissions (3):

Labcorp Genetics (formerly Invitae), Labcorp
Classification: Uncertain significance. Last evaluated: 2025-08-26. Review status: criteria provided, single submitter. Criteria: Invitae Variant Classification Sherloc (09022015). Collection method: clinical testing. Allele origin: germline.
Comment: This sequence change replaces proline, which is neutral and non-polar, with arginine, which is basic and polar, at codon 1114 of the SAMD9 protein (p.Pro1114Arg). This variant is present in population databases (no rsID available, gnomAD 0.007%). This variant has not been reported in the literature in individuals affected with SAMD9-related conditions. ClinVar contains an entry for this variant (Variation ID: 3791904). Invitae Evidence Modeling of protein sequence and biophysical properties (such as structural, functional, and spatial information, amino acid conservation, physicochemical variation, residue mobility, and thermodynamic stability) indicates that this missense variant is not expected to disrupt SAMD9 protein function with a negative predictive value of 95%. In summary, the available evidence is currently insufficient to determine the role of this variant in disease. Therefore, it has been classified as a Variant of Uncertain Significance.

Ambry Genetics
Classification: Uncertain significance for Inborn genetic diseases. Last evaluated: 2025-04-13. Review status: criteria provided, single submitter. Criteria: Ambry Variant Classification Scheme 2023. Collection method: clinical testing. Allele origin: germline.

Blueprint Genetics
Classification: Uncertain significance. Last evaluated: 2023-09-21. Review status: criteria provided, single submitter. Criteria: ACMG Guidelines, 2015. Collection method: clinical testing. Allele origin: germline.